The following is an entry in ClinVar:

ClinVar aggregate classification (germline): Uncertain significance. Review status: criteria provided, multiple submitters, no conflicts (2 of 4 stars). 2 submissions from 2 submitters: Uncertain significance (2). Last evaluated 2024-08-20.

Conditions:
Cardiovascular phenotype. Identifiers: MedGen CN230736.
Myofibrillar myopathy 6. Identifiers: Orphanet 199340, MedGen C2751831, MONDO:0013061, OMIM 612954.
Dilated cardiomyopathy 1HH (CMD1HH). Identifiers: Orphanet 154, MedGen C3151293, MONDO:0013479, OMIM 613881.

Allele frequency attached by ClinVar (database versions not stated): gnomAD below 0.00001 and 0.00001; gnomAD exomes below 0.00001 and 0.00001; TOPMed below 0.00001; ExAC 0.00001; ESP Exome Variant Server 0.00008.
gnomAD v4.1: 11 of 1,613,836 alleles (0.00068%); highest among the groups gnomAD compares: South Asian, 0.0033%; no homozygotes.

Submissions (2):

Labcorp Genetics (formerly Invitae), Labcorp
Classification: Uncertain significance for Dilated cardiomyopathy 1HH; Myofibrillar myopathy 6. Last evaluated: 2024-08-20. Review status: criteria provided, single submitter. Criteria: Invitae Variant Classification Sherloc (09022015). Collection method: clinical testing. Allele origin: germline.
Comment: This sequence change replaces arginine, which is basic and polar, with cysteine, which is neutral and slightly polar, at codon 294 of the BAG3 protein (p.Arg294Cys). This variant is present in population databases (rs144585878, gnomAD 0.007%). This variant has not been reported in the literature in individuals affected with BAG3-related conditions. ClinVar contains an entry for this variant (Variation ID: 1009365). Invitae Evidence Modeling of protein sequence and biophysical properties (such as structural, functional, and spatial information, amino acid conservation, physicochemical variation, residue mobility, and thermodynamic stability) has been performed for this missense variant. However, the output from this modeling did not meet the statistical confidence thresholds required to predict the impact of this variant on BAG3 protein function. In summary, the available evidence is currently insufficient to determine the role of this variant in disease. Therefore, it has been classified as a Variant of Uncertain Significance.

Ambry Genetics
Classification: Uncertain significance for Cardiovascular phenotype. Last evaluated: 2021-11-22. Review status: criteria provided, single submitter. Criteria: Ambry Variant Classification Scheme 2023. Collection method: clinical testing. Allele origin: germline.
Comment: The p.R294C variant (also known as c.880C>T), located in coding exon 3 of the BAG3 gene, results from a C to T substitution at nucleotide position 880. The arginine at codon 294 is replaced by cysteine, an amino acid with highly dissimilar properties. This amino acid position is conserved. In addition, the in silico prediction for this alteration is inconclusive. Since supporting evidence is limited at this time, the clinical significance of this alteration remains unclear.

NM_004281.4(BAG3):c.880C>T (p.Arg294Cys)

Gene: BAG3 (BAG cochaperone 3; plus strand). Cytogenetic location: 10q26.11.
Variant type: single nucleotide variant.
Coding change: c.880C>T on transcript NM_004281.4 (MANE Select); coding-DNA position 880, C replaced by T.
Protein change: p.Arg294Cys; replaces arginine 294 with cysteine.
Molecular consequence: missense variant.
Genome position (GRCh38, 1-based): chr10:119,672,627, C>T. VCF-style: chr10-119672627-C-T. GRCh37 (hg19) VCF-style: chr10-121432139-C-T.
Other names: short protein forms R294C.
Identifiers: ClinVar variation 1009365 (VCV001009365.12), dbSNP rs144585878, ClinGen allele CA5716429.